The following is an entry in ClinVar:

NM_032444.4(SLX4):c.973A>T (p.Thr325Ser)

Gene: SLX4 (SLX4 structure-specific endonuclease subunit; minus strand). Cytogenetic location: 16p13.3.
Variant type: single nucleotide variant.
Coding change: c.973A>T on transcript NM_032444.4 (MANE Select); coding-DNA position 973, A replaced by T.
Protein change: p.Thr325Ser; replaces threonine 325 with serine.
Molecular consequence: missense variant.
Genome position (GRCh38, 1-based): chr16:3,601,169, T>A on the plus strand (A>T on the coding strand, the complement: SLX4 is on the minus strand). VCF-style: chr16-3601169-T-A. GRCh37 (hg19) VCF-style: chr16-3651170-T-A.
Other names: c.973A>T (LRG_503t1); short protein forms T325S.
Identifiers: ClinVar variation 407921 (VCV000407921.9), dbSNP rs181942292, ClinGen allele CA7866665.
Genomic context (GRCh38, chr16:3,601,169, plus strand): 5'-TAAGAAACGGTTTCCCACAAATCGGGCACTCAGGGATCTGAGGCACAGAAGGTCTTAGTG[T>A]CTTTTCAGCTTCATCCAAGCACCTGAAGGAAAACAGTCAATACAGGAGAACCACCCTCCC-3'
Protein context (NP_115820.2, residues 315-335): VNRCLDEAEK[Thr325Ser]LRPSVPQIPE

ClinVar aggregate classification (germline): Conflicting classifications of pathogenicity. Review status: criteria provided, conflicting classifications (1 of 4 stars). 2 submissions from 2 submitters: Uncertain significance (1); Likely benign (1). Last evaluated 2025-11-16.

Conditions:
Inborn genetic diseases. Identifiers: MedGen C0950123, MeSH D030342.
Fanconi anemia (FA). Also called: Fanconi's anemia. Identifiers: Orphanet 84, MedGen C0015625, MeSH D005199, MONDO:0019391.

Allele frequency attached by ClinVar (database versions not stated): gnomAD 0.00001; gnomAD exomes 0.00001 and 0.00007; TOPMed 0.00001; ExAC 0.00007; 1000 Genomes Project 30x 0.00016; 1000 Genomes Project 0.00020.
gnomAD v4.1: 14 of 1,614,084 alleles (0.00087%); highest among the groups gnomAD compares: East Asian, 0.031%; no homozygotes.

Submissions (2):

Labcorp Genetics (formerly Invitae), Labcorp
Classification: Uncertain significance for Fanconi anemia. Last evaluated: 2025-11-16. Review status: criteria provided, single submitter. Criteria: Invitae Variant Classification Sherloc (09022015). Collection method: clinical testing. Allele origin: germline.
Comment: This sequence change replaces threonine, which is neutral and polar, with serine, which is neutral and polar, at codon 325 of the SLX4 protein (p.Thr325Ser). This variant is present in population databases (rs181942292, gnomAD 0.09%). This variant has not been reported in the literature in individuals affected with SLX4-related conditions. ClinVar contains an entry for this variant (Variation ID: 407921). An algorithm developed to predict the effect of missense changes on protein structure and function outputs the following: PolyPhen-2: "Benign". The serine amino acid residue is found in multiple mammalian species, which suggests that this missense change does not adversely affect protein function. In summary, the available evidence is currently insufficient to determine the role of this variant in disease. Therefore, it has been classified as a Variant of Uncertain Significance.

Ambry Genetics
Classification: Likely benign for Inborn genetic diseases. Last evaluated: 2024-09-08. Review status: criteria provided, single submitter. Criteria: Ambry Variant Classification Scheme 2023. Collection method: clinical testing. Allele origin: germline.